The following is an entry in ClinVar:

NM_020944.3(GBA2):c.2683C>G (p.His895Asp)

Gene: GBA2 (glucosylceramidase beta 2; minus strand). Cytogenetic location: 9p13.3.
Variant type: single nucleotide variant.
Coding change: c.2683C>G on transcript NM_020944.3 (MANE Select); coding-DNA position 2683, C replaced by G.
Protein change: p.His895Asp; replaces histidine 895 with aspartic acid.
Molecular consequence: missense variant. On other transcripts: 3 prime UTR variant (1).
Genome position (GRCh38, 1-based): chr9:35,737,270, G>C on the plus strand (C>G on the coding strand, the complement: GBA2 is on the minus strand). VCF-style: chr9-35737270-G-C. GRCh37 (hg19) VCF-style: chr9-35737267-G-C.
Other names: c.*206C>G (NM_001330660.2); short protein forms H895D.
Identifiers: ClinVar variation 644394 (VCV000644394.8), dbSNP rs1588001323, ClinGen allele CA373400723.

ClinVar aggregate classification (germline): Uncertain significance (1 of 4 stars; one submission).

Conditions:
Spastic paraplegia. Identifiers: MedGen C0037772, HP:0001258.

Allele frequency attached by ClinVar (database versions not stated): gnomAD exomes below 0.00001.

Submission:

Labcorp Genetics (formerly Invitae), Labcorp
Classification: Uncertain significance for Spastic paraplegia. Last evaluated: 2018-10-02. Review status: criteria provided, single submitter. Criteria: Invitae Variant Classification Sherloc (09022015). Collection method: clinical testing. Allele origin: germline.
Comment: This sequence change replaces histidine with aspartic acid at codon 895 of the GBA2 protein (p.His895Asp). The histidine residue is weakly conserved and there is a moderate physicochemical difference between histidine and aspartic acid. This variant is not present in population databases (ExAC no frequency). This variant has not been reported in the literature in individuals with GBA2-related disease. Algorithms developed to predict the effect of missense changes on protein structure and function output the following: SIFT: "Tolerated"; PolyPhen-2: "Benign"; Align-GVGD: "Class C0". The aspartic acid amino acid residue is found in multiple mammalian species, suggesting that this missense change does not adversely affect protein function. These predictions have not been confirmed by published functional studies and their clinical significance is uncertain. In summary, the available evidence is currently insufficient to determine the role of this variant in disease. Therefore, it has been classified as a Variant of Uncertain Significance.